The following is an entry in ClinVar:

NM_001035.3(RYR2):c.5356A>T (p.Ile1786Phe)

Gene: RYR2 (ryanodine receptor 2; plus strand). Cytogenetic location: 1q43.
Variant type: single nucleotide variant.
Coding change: c.5356A>T on transcript NM_001035.3 (MANE Select); coding-DNA position 5356, A replaced by T.
Protein change: p.Ile1786Phe; replaces isoleucine 1786 with phenylalanine.
Molecular consequence: missense variant.
Genome position (GRCh38, 1-based): chr1:237,614,484, A>T. VCF-style: chr1-237614484-A-T. GRCh37 (hg19) VCF-style: chr1-237777784-A-T.
Other names: c.5356A>T (NM_001035.2); short protein forms I1786F.
Identifiers: ClinVar variation 3070814 (VCV003070814.3), dbSNP rs1294863861, ClinGen allele CA345404858.

ClinVar aggregate classification (germline): Uncertain significance. Review status: criteria provided, multiple submitters, no conflicts (2 of 4 stars). 3 submissions from 3 submitters: Uncertain significance (3). Last evaluated 2026-07-02.

Conditions:
Catecholaminergic polymorphic ventricular tachycardia (CVPT). Also called: Catecholamine-induced polymorphic ventricular tachycardia. Identifiers: Orphanet 3286, MedGen C5574922, MONDO:0017990.
Cardiovascular phenotype. Identifiers: MedGen CN230736.
Cardiomyopathy (CMYO). Also called: Cardiomyopathies. Identifiers: Orphanet 167848, MedGen C0878544, MONDO:0004994, HP:0001638. Inheritance: Various modes of inheritance.

gnomAD v4.1: 9 of 1,613,952 alleles (0.00056%); highest among the groups gnomAD compares: Non-Finnish European, 0.00076%; no homozygotes.

Submissions (3):

Ambry Genetics
Classification: Uncertain significance for Cardiovascular phenotype. Last evaluated: 2026-07-02. Review status: criteria provided, single submitter. Criteria: Ambry Variant Classification Scheme 2023. Collection method: clinical testing. Allele origin: germline.
Comment: The p.I1786F variant (also known as c.5356A>T), located in coding exon 37 of the RYR2 gene, results from an A to T substitution at nucleotide position 5356. The isoleucine at codon 1786 is replaced by phenylalanine, an amino acid with highly similar properties. This amino acid position is conserved. In addition, this alteration is predicted to be tolerated by in silico analysis. Based on the available evidence, the clinical significance of this variant remains unclear.

Color Diagnostics, LLC DBA Color Health
Classification: Uncertain significance for Cardiomyopathy. Last evaluated: 2025-06-17. Review status: criteria provided, single submitter. Criteria: ACMG Guidelines, 2015. Collection method: clinical testing. Allele origin: germline.
Comment: This missense variant replaces isoleucine with phenylalanine at codon 1786 of the RYR2 protein. Computational prediction suggests that this variant may not impact protein structure and function. To our knowledge, functional studies have not been reported for this variant. This variant has not been reported in individuals affected with RYR2-related disorders in the literature. This variant has not been identified in the general population by the Genome Aggregation Database (gnomAD). The available evidence is insufficient to determine the role of this variant in disease conclusively. Therefore, this variant is classified as a Variant of Uncertain Significance.

All of Us Research Program, National Institutes of Health
Classification: Uncertain significance for Catecholaminergic polymorphic ventricular tachycardia. Last evaluated: 2023-05-04. Review status: criteria provided, single submitter. Criteria: ACMG Guidelines, 2015. Collection method: clinical testing. Allele origin: germline. Inheritance: Autosomal dominant inheritance. Observed: 1 variant allele, 1 heterozygote.
Comment: This missense variant replaces isoleucine with phenylalanine at codon 1786 of the RYR2 protein. Computational prediction suggests that this variant may not impact protein structure and function (internally defined REVEL score threshold <= 0.5, PMID: 27666373). To our knowledge, functional studies have not been reported for this variant. This variant has not been reported in individuals affected with RYR2-related disorders in the literature. This variant has not been identified in the general population by the Genome Aggregation Database (gnomAD). The available evidence is insufficient to determine the role of this variant in disease conclusively. Therefore, this variant is classified as a Variant of Uncertain Significance.

This study involves interpretation of variants in research participants for the purpose of population health screening. Participant phenotype was not available at the time of variant classification. Additional details can be found in publication PMID: 35346344, PMCID: PMC8962531